The following is an entry in ClinVar:

NM_002691.4(POLD1):c.418C>T (p.His140Tyr)

Gene: POLD1 (DNA polymerase delta 1, catalytic subunit; plus strand). Cytogenetic location: 19q13.33.
Variant type: single nucleotide variant.
Coding change: c.418C>T on transcript NM_002691.4 (MANE Select); coding-DNA position 418, C replaced by T.
Protein change: p.His140Tyr; replaces histidine 140 with tyrosine.
Molecular consequence: missense variant. On other transcripts: non-coding transcript variant (1).
Genome position (GRCh38, 1-based): chr19:50,401,879, C>T. VCF-style: chr19-50401879-C-T. GRCh37 (hg19) VCF-style: chr19-50905136-C-T.
Other names: c.418C>T, p.His140Tyr (NM_001256849.1, NM_001308632.1); short protein forms H140Y.
Identifiers: ClinVar variation 956323 (VCV000956323.9), dbSNP rs2038649462, ClinGen allele CA406972566.

ClinVar aggregate classification (germline): Uncertain significance (1 of 4 stars; one submission).

Conditions:
POLD1-related polyposis and colorectal cancer syndrome (CRCS10). Also called: Colorectal cancer 10; COLORECTAL CANCER, SUSCEPTIBILITY TO, ON CHROMOSOME 19q; Colorectal cancer, susceptibility to, 10. Identifiers: Orphanet 220460, MedGen C2675481, MONDO:0012953, OMIM 612591.

Submission:

Labcorp Genetics (formerly Invitae), Labcorp
Classification: Uncertain significance for POLD1-related polyposis and colorectal cancer syndrome. Last evaluated: 2022-01-11. Review status: criteria provided, single submitter. Criteria: Invitae Variant Classification Sherloc (09022015). Collection method: clinical testing. Allele origin: germline.
Comment: This variant is not present in population databases (gnomAD no frequency). In summary, the available evidence is currently insufficient to determine the role of this variant in disease. Therefore, it has been classified as a Variant of Uncertain Significance. Algorithms developed to predict the effect of missense changes on protein structure and function are either unavailable or do not agree on the potential impact of this missense change (SIFT: "Tolerated"; PolyPhen-2: "Probably Damaging"; Align-GVGD: "Class C0"). ClinVar contains an entry for this variant (Variation ID: 956323). This variant has not been reported in the literature in individuals affected with POLD1-related conditions. This sequence change replaces histidine, which is basic and polar, with tyrosine, which is neutral and polar, at codon 140 of the POLD1 protein (p.His140Tyr).